The following is an entry in ClinVar:

ClinVar aggregate classification (germline): Pathogenic (1 of 4 stars; one submission).

Conditions:
Primary ciliary dyskinesia. Also called: Ciliary dyskinesia. Identifiers: Orphanet 244, MedGen C0008780, MONDO:0016575, HP:0012265.

Submission:

Labcorp Genetics (formerly Invitae), Labcorp
Classification: Pathogenic for Primary ciliary dyskinesia. Last evaluated: 2022-05-21. Review status: criteria provided, single submitter. Criteria: Invitae Variant Classification Sherloc (09022015). Collection method: clinical testing. Allele origin: germline.
Comment: This variant is a gross deletion of the genomic region encompassing exon(s) 2-3 of the DNAI2 gene, which includes the initiator codon. This deletion extends beyond the assayed region for this gene and therefore may encompass additional genes. It is expected to result in an absent or disrupted protein product. Loss-of-function variants in DNAI2 are known to be pathogenic (PMID: 18950741, 23891469). For these reasons, this variant has been classified as Pathogenic. This variant has not been reported in the literature in individuals affected with DNAI2-related conditions.

Literature cited by the submitters: PubMed 18950741; PubMed 23891469.

NC_000017.10:g.(?_72277936)_(72281350_?)del

Gene: DNAI2 (dynein axonemal intermediate chain 2; plus strand). Cytogenetic location: 17q25.1.
Variant type: Deletion.
Identifiers: ClinVar variation 1075524 (VCV001075524.3).